The following is an entry in ClinVar:

NM_032444.4(SLX4):c.5444G>A (p.Arg1815Lys)

Gene: SLX4 (SLX4 structure-specific endonuclease subunit; minus strand). Cytogenetic location: 16p13.3.
Variant type: single nucleotide variant.
Coding change: c.5444G>A on transcript NM_032444.4 (MANE Select); coding-DNA position 5444, G replaced by A.
Protein change: p.Arg1815Lys; replaces arginine 1815 with lysine.
Molecular consequence: missense variant.
Genome position (GRCh38, 1-based): chr16:3,582,403, C>T on the plus strand (G>A on the coding strand, the complement: SLX4 is on the minus strand). VCF-style: chr16-3582403-C-T. GRCh37 (hg19) VCF-style: chr16-3632404-C-T.
Other names: short protein forms R1815K.
Identifiers: ClinVar variation 4806225 (VCV004806225.1).

ClinVar aggregate classification (germline): Uncertain significance (1 of 4 stars; one submission).

Conditions:
Fanconi anemia (FA). Also called: Fanconi's anemia. Identifiers: Orphanet 84, MedGen C0015625, MeSH D005199, MONDO:0019391.

Submission:

Labcorp Genetics (formerly Invitae), Labcorp
Classification: Uncertain significance for Fanconi anemia. Last evaluated: 2025-12-29. Review status: criteria provided, single submitter. Criteria: Invitae Variant Classification Sherloc (09022015). Collection method: clinical testing. Allele origin: germline.
Comment: This sequence change replaces arginine, which is basic and polar, with lysine, which is basic and polar, at codon 1815 of the SLX4 protein (p.Arg1815Lys). This variant is present in population databases (rs375885941, gnomAD 0.01%). This variant has not been reported in the literature in individuals affected with SLX4-related conditions. An algorithm developed to predict the effect of missense changes on protein structure and function outputs the following: PolyPhen-2: "Benign". The lysine amino acid residue is found in multiple mammalian species, which suggests that this missense change does not adversely affect protein function. In summary, the available evidence is currently insufficient to determine the role of this variant in disease. Therefore, it has been classified as a Variant of Uncertain Significance.